The following is an entry in ClinVar:

ClinVar aggregate classification (germline): Conflicting classifications of pathogenicity. Review status: criteria provided, conflicting classifications (1 of 4 stars). 2 submissions from 2 submitters: Uncertain significance (1); Benign (1). Last evaluated 2025-10-09.

Allele frequency attached by ClinVar (database versions not stated): TOPMed below 0.00001; ExAC 0.00001; gnomAD exomes 0.00001.
gnomAD v4.1: 6 of 1,211,936 alleles (0.0005%); highest among the groups gnomAD compares: Admixed American, 0.0043%; no homozygotes.

Submissions (2):

Labcorp Genetics (formerly Invitae), Labcorp
Classification: Benign. Last evaluated: 2025-10-09. Review status: criteria provided, single submitter. Criteria: Invitae Variant Classification Sherloc (09022015). Collection method: clinical testing. Allele origin: germline.

Women's Health and Genetics/Laboratory Corporation of America, LabCorp
Classification: Uncertain significance. Last evaluated: 2022-08-15. Review status: criteria provided, single submitter. Criteria: LabCorp Variant Classification Summary - May 2015. Collection method: clinical testing. Allele origin: germline.
Comment: Variant summary: ATP6AP1 c.1159C>T (p.Arg387Cys) results in a non-conservative amino acid change in the encoded protein sequence. Three of five in-silico tools predict a damaging effect of the variant on protein function. The variant allele was found at a frequency of 1.6e-05 in 182959 control chromosomes (gnomAD). The available data on variant occurrences in the general population are insufficient to allow any conclusion about variant significance. To our knowledge, no occurrence of c.1159C>T in individuals affected with Immunodeficiency 47 and no experimental evidence demonstrating its impact on protein function have been reported. No clinical diagnostic laboratories have submitted clinical-significance assessments for this variant to ClinVar after 2014. Based on the evidence outlined above, the variant was classified as uncertain significance.

NM_001183.6(ATP6AP1):c.1159C>T (p.Arg387Cys)

Gene: ATP6AP1 (ATPase H+ transporting accessory protein 1; plus strand). Cytogenetic location: Xq28.
Variant type: single nucleotide variant.
Coding change: c.1159C>T on transcript NM_001183.6 (MANE Select); coding-DNA position 1159, C replaced by T.
Protein change: p.Arg387Cys; replaces arginine 387 with cysteine.
Molecular consequence: missense variant.
Genome position (GRCh38, 1-based): chrX:154,435,461, C>T. VCF-style: chrX-154435461-C-T. GRCh37 (hg19) VCF-style: chrX-153663807-C-T.
Other names: short protein forms R387C.
Identifiers: ClinVar variation 1705101 (VCV001705101.2), dbSNP rs781921302, ClinGen allele CA10562769.